The following is an entry in ClinVar:

ClinVar aggregate classification (germline): Uncertain significance (1 of 4 stars; one submission).

gnomAD v4.1: 2 of 1,614,158 alleles (0.00012%); highest among the groups gnomAD compares: African/African-American, 0.0013%; no homozygotes.

Submission:

Ambry Genetics
Classification: Uncertain significance. Last evaluated: 2025-05-15. Review status: criteria provided, single submitter. Criteria: Ambry Variant Classification Scheme 2023. Collection method: clinical testing. Allele origin: germline.
Comment: The p.H468R variant (also known as c.1403A>G), located in coding exon 1 of the TET2 gene, results from an A to G substitution at nucleotide position 1403. The histidine at codon 468 is replaced by arginine, an amino acid with highly similar properties. This amino acid position is conserved. In addition, this alteration is predicted to be tolerated by in silico analysis. Based on the available evidence, the clinical significance of this variant remains unclear.

NM_001127208.3(TET2):c.1403A>G (p.His468Arg)

Genes: TET2 (tet methylcytosine dioxygenase 2; plus strand), TET2-AS1 (TET2 antisense RNA 1; minus strand). Cytogenetic location: 4q24.
Variant type: single nucleotide variant.
Coding change: c.1403A>G on transcript NM_001127208.3 (MANE Select); coding-DNA position 1403, A replaced by G.
Protein change: p.His468Arg; replaces histidine 468 with arginine.
Molecular consequence: missense variant.
Genome position (GRCh38, 1-based): chr4:105,235,345, A>G. VCF-style: chr4-105235345-A-G. GRCh37 (hg19) VCF-style: chr4-106156502-A-G.
Other names: c.1403A>G, p.His468Arg (NM_017628.4); short protein forms H468R.
Identifiers: ClinVar variation 3967630 (VCV003967630.1).
Genomic context (GRCh38, chr4:105,235,345, plus strand): 5'-AAGTGAAAATAGAGGGTAAACCTGAGGCACCACCTTCCCAGAGTCCTAATCCATCTACAC[A>G]TGTATGCAGCCCTTCTCCGATGCTTTCTGAAAGGCCTCAGAATAATTGTGTGAACAGGAA-3'
Protein context (NP_001120680.1, residues 458-478): PPSQSPNPST[His468Arg]VCSPSPMLSE